The following is an entry in ClinVar:

ClinVar aggregate classification (germline): Pathogenic (1 of 4 stars; one submission).

Submission:

GeneDx
Classification: Pathogenic. Last evaluated: 2017-07-13. Review status: criteria provided, single submitter. Criteria: GeneDx Variant Classification (06012015). Collection method: clinical testing. Allele origin: germline. Affected: yes.
Comment: The Q528X variant in the AUTS2 gene has not been reported previously as a pathogenic variant nor as a benign variant, to our knowledge. This variant is predicted to cause loss of normal protein function either through protein truncation or nonsense-mediated mRNA decay. The Q528X variant is not observed in large population cohorts (Lek et al., 2016; 1000 Genomes Consortium et al., 2015; Exome Variant Server). We interpret Q528X as a pathogenic variant.

NM_015570.4(AUTS2):c.1582C>T (p.Gln528Ter)

Gene: AUTS2 (activator of transcription and developmental regulator AUTS2; plus strand). Cytogenetic location: 7q11.22.
Variant type: single nucleotide variant.
Coding change: c.1582C>T on transcript NM_015570.4 (MANE Select); coding-DNA position 1582, C replaced by T.
Protein change: p.Gln528Ter; replaces glutamine 528 with a stop codon.
Molecular consequence: nonsense.
Genome position (GRCh38, 1-based): chr7:70,766,227, C>T. VCF-style: chr7-70766227-C-T. GRCh37 (hg19) VCF-style: chr7-70231213-C-T.
Other names: c.1582C>T, p.Gln528Ter (NM_001127231.3); short protein forms Q528*.
Identifiers: ClinVar variation 450622 (VCV000450622.2), dbSNP rs1554481763, ClinGen allele CA367668886.